The following is an entry in ClinVar:

ClinVar aggregate classification (germline): Uncertain significance. Review status: criteria provided, multiple submitters, no conflicts (2 of 4 stars). 3 submissions from 3 submitters: Uncertain significance (3). Last evaluated 2023-06-26.

Conditions:
Cardiovascular phenotype. Identifiers: MedGen CN230736.
Hypercholesterolemia, autosomal dominant, 3 (FHCL3). Also called: Familial Hypercholesterolemia, Autosomal Dominant, 3; PCSK9-Related Familial Hypercholesterolemia, Autosomal Dominant; Familial hypercholesterolemia 3. Identifiers: MedGen C1863551, MONDO:0011369, OMIM 603776.

Allele frequency attached by ClinVar (database versions not stated): ExAC 0.00001; gnomAD exomes 0.00001.
gnomAD v4.1: 3 of 1,606,148 alleles (0.00019%); highest among the groups gnomAD compares: Non-Finnish European, 0.00026%; no homozygotes.

Submissions (3):

All of Us Research Program, National Institutes of Health
Classification: Uncertain significance for Hypercholesterolemia, autosomal dominant, 3. Last evaluated: 2023-06-26. Review status: criteria provided, single submitter. Criteria: ACMG Guidelines, 2015. Collection method: clinical testing. Allele origin: germline. Inheritance: Autosomal dominant inheritance. Observed: 1 variant allele, 1 heterozygote.
Comment: This missense variant replaces glycine with serine at codon 291 of the PCSK9 protein. Computational prediction suggests that this variant may have deleterious impact on protein structure and function (internally defined REVEL score threshold >= 0.7, PMID: 27666373). To our knowledge, functional studies have not been reported for this variant. This variant has not been reported in individuals affected with PCSK9-related disorders in the literature. This variant has been identified in 3/237862 chromosomes in the general population by the Genome Aggregation Database (gnomAD). The available evidence is insufficient to determine the role of this variant in disease conclusively. Therefore, this variant is classified as a Variant of Uncertain Significance.

This study involves interpretation of variants in research participants for the purpose of population health screening. Participant phenotype was not available at the time of variant classification. Additional details can be found in publication PMID: 35346344, PMCID: PMC8962531

Ambry Genetics
Classification: Uncertain significance for Cardiovascular phenotype. Last evaluated: 2022-09-24. Review status: criteria provided, single submitter. Criteria: Ambry Variant Classification Scheme 2023. Collection method: clinical testing. Allele origin: germline.
Comment: The p.G291S variant (also known as c.871G>A), located in coding exon 6 of the PCSK9 gene, results from a G to A substitution at nucleotide position 871. The glycine at codon 291 is replaced by serine, an amino acid with similar properties. This amino acid position is conserved. In addition, this alteration is predicted to be deleterious by in silico analysis. Since supporting evidence is limited at this time, the clinical significance of this alteration remains unclear.

GeneDx
Classification: Uncertain significance. Last evaluated: 2022-07-15. Review status: criteria provided, single submitter. Criteria: GeneDx Variant Classification Process June 2021. Collection method: clinical testing. Allele origin: germline. Affected: yes.
Comment: Not observed at significant frequency in large population cohorts (gnomAD); In silico analysis supports that this missense variant has a deleterious effect on protein structure/function; Has not been previously published as pathogenic or benign to our knowledge

NM_174936.4(PCSK9):c.871G>A (p.Gly291Ser)

Gene: PCSK9 (proprotein convertase subtilisin/kexin type 9; plus strand). Cytogenetic location: 1p32.3.
Variant type: single nucleotide variant.
Coding change: c.871G>A on transcript NM_174936.4 (MANE Select); coding-DNA position 871, G replaced by A.
Protein change: p.Gly291Ser; replaces glycine 291 with serine.
Molecular consequence: missense variant.
Genome position (GRCh38, 1-based): chr1:55,056,064, G>A. VCF-style: chr1-55056064-G-A. GRCh37 (hg19) VCF-style: chr1-55521737-G-A.
Other names: c.994G>A, p.Gly332Ser (NM_001407240.1); c.871G>A, p.Gly291Ser (NM_001407241.1, NM_001407244.1, NM_001407247.1); c.874G>A, p.Gly292Ser (NM_001407242.1); c.814G>A, p.Gly272Ser (NM_001407243.1); c.679G>A, p.Gly227Ser (NM_001407245.1); c.496G>A, p.Gly166Ser (NM_001407246.1); short protein forms G166S, G332S, G272S, G291S, G227S, G292S.
Identifiers: ClinVar variation 1764441 (VCV001764441.4), dbSNP rs781740443, ClinGen allele CA044895.
Genomic context (GRCh38, chr1:55,056,064, plus strand): 5'-ATTCGGAAAAGCCAGCTGGTCCAGCCTGTGGGGCCACTGGTGGTGCTGCTGCCCCTGGCG[G>A]GTGGGTACAGCCGCGTCCTCAACGCCGCCTGCCAGCGCCTGGCGAGGGCTGGGGTCGTGC-3'
Protein context (NP_777596.2, residues 281-301): GPLVVLLPLA[Gly291Ser]GYSRVLNAAC